The following is an entry in ClinVar:

NM_001145358.2(SIN3A):c.3249C>G (p.Asp1083Glu)

Gene: SIN3A (SIN3 transcription regulator family member A; minus strand). Cytogenetic location: 15q24.2.
Variant type: single nucleotide variant.
Coding change: c.3249C>G on transcript NM_001145358.2 (MANE Select); coding-DNA position 3249, C replaced by G.
Protein change: p.Asp1083Glu; replaces aspartic acid 1083 with glutamic acid.
Molecular consequence: missense variant.
Genome position (GRCh38, 1-based): chr15:75,381,652, G>C on the plus strand (C>G on the coding strand, the complement: SIN3A is on the minus strand). VCF-style: chr15-75381652-G-C. GRCh37 (hg19) VCF-style: chr15-75673993-G-C.
Other names: c.3249C>G, p.Asp1083Glu (NM_001145357.2, NM_015477.3); short protein forms D1083E.
Identifiers: ClinVar variation 3385100 (VCV003385100.1).

ClinVar aggregate classification (germline): Uncertain significance (1 of 4 stars; one submission).

gnomAD v4.1: 1 of 1,613,878 alleles (0.000062%); highest among the groups gnomAD compares: African/African-American, 0.0013%; no homozygotes.

Submission:

Women's Health and Genetics/Laboratory Corporation of America, LabCorp
Classification: Uncertain significance. Last evaluated: 2024-10-25. Review status: criteria provided, single submitter. Criteria: LabCorp Variant Classification Summary - May 2015. Collection method: clinical testing. Allele origin: germline.
Comment: Variant summary: SIN3A c.3249C>G (p.Asp1083Glu) results in a conservative amino acid change located in the Sin3, C-terminal domain (IPR031693) of the encoded protein sequence. Three of five in-silico tools predict a benign effect of the variant on protein function. The variant was absent in 251312 control chromosomes. The available data on variant occurrences in the general population are insufficient to allow any conclusion about variant significance. To our knowledge, no occurrence of c.3249C>G in individuals affected with SIN3A-Related Intellectual Disability Syndrome and no experimental evidence demonstrating its impact on protein function have been reported. No submitters have cited clinical-significance assessments for this variant to ClinVar. Based on the evidence outlined above, the variant was classified as uncertain significance.